The following is an entry in ClinVar:

NM_001845.6(COL4A1):c.4249+10G>A

Gene: COL4A1 (collagen type IV alpha 1 chain; minus strand). Cytogenetic location: 13q34.
Variant type: single nucleotide variant.
Coding change: c.4249+10G>A on transcript NM_001845.6 (MANE Select); 10 bases into the intron after coding-DNA position 4249, G replaced by A.
Molecular consequence: intron variant.
Genome position (GRCh38, 1-based): chr13:110,163,453, C>T on the plus strand (G>A on the coding strand, the complement: COL4A1 is on the minus strand). VCF-style: chr13-110163453-C-T. GRCh37 (hg19) VCF-style: chr13-110815800-C-T.
Other names: c.4249+10G>A (NM_001845.5, NM_001845.4).
Identifiers: ClinVar variation 2857973 (VCV002857973.6), dbSNP rs1004640402, ClinGen allele CA645573506.

ClinVar aggregate classification (germline): Conflicting classifications of pathogenicity. Review status: criteria provided, conflicting classifications (1 of 4 stars). 4 submissions from 4 submitters: Uncertain significance (1); Likely benign (2). 1 of the submissions does not count toward it. Last evaluated 2025-03-26.

Conditions:
COL4A1-related disorder. Also called: COL4A1-related condition; COL4A1-related disorders. Identifiers: MedGen CN376119, MONDO:0800461.

Allele frequency attached by ClinVar (database versions not stated): gnomAD exomes 0.00001; TOPMed 0.00002.
gnomAD v4.1: 8 of 1,613,598 alleles (0.0005%); highest among the groups gnomAD compares: African/African-American, 0.0013%; no homozygotes.

Submissions (4):

Athena Diagnostics
Classification: Uncertain significance. Last evaluated: 2025-03-26. Review status: criteria provided, single submitter. Criteria: Athena Diagnostics Criteria. Collection method: clinical testing. Allele origin: unknown.
Comment: Available data are insufficient to determine the clinical significance of the variant at this time. This variant has not been reported in large, multi-ethnic general populations. Computational tools yielded predictions that this variant is unlikely to have an effect on normal RNA splicing.

Labcorp Genetics (formerly Invitae), Labcorp
Classification: Likely benign. Last evaluated: 2023-10-04. Review status: criteria provided, single submitter. Criteria: Invitae Variant Classification Sherloc (09022015). Collection method: clinical testing. Allele origin: germline.

Blueprint Genetics
Classification: Likely benign. Last evaluated: 2020-04-20. Review status: criteria provided, single submitter. Criteria: ACMG Guidelines, 2015. Collection method: clinical testing. Allele origin: germline.

PreventionGenetics, part of Exact Sciences
Classification: Likely benign for COL4A1-related condition. Last evaluated: 2024-08-26. Review status: no assertion criteria provided. Collection method: clinical testing. Allele origin: germline. Not counted in ClinVar's aggregate classification.
Comment: This variant is classified as likely benign based on ACMG/AMP sequence variant interpretation guidelines (Richards et al. 2015 PMID: 25741868, with internal and published modifications).